The following is an entry in ClinVar:

NM_194454.3(KRIT1):c.1775G>C (p.Ser592Thr)

Gene: KRIT1 (KRIT1 ankyrin repeat containing; minus strand). Cytogenetic location: 7q21.2.
Variant type: single nucleotide variant.
Coding change: c.1775G>C on transcript NM_194454.3 (MANE Select); coding-DNA position 1775, G replaced by C.
Protein change: p.Ser592Thr; replaces serine 592 with threonine.
Molecular consequence: missense variant.
Genome position (GRCh38, 1-based): chr7:92,213,935, C>G on the plus strand (G>C on the coding strand, the complement: KRIT1 is on the minus strand). VCF-style: chr7-92213935-C-G. GRCh37 (hg19) VCF-style: chr7-91843249-C-G.
Other names: c.1631G>C, p.Ser544Thr (NM_001013406.2, NM_001350669.1, NM_001350670.1); c.1061G>C, p.Ser354Thr (NM_001350671.1); c.1775G>C, p.Ser592Thr (NM_001350672.1, NM_001350673.1, NM_001350674.1 and 26 more transcripts); short protein forms S354T, S544T, S592T.
Identifiers: ClinVar variation 2056450 (VCV002056450.5), dbSNP rs372952135, ClinGen allele CA4339031.

ClinVar aggregate classification (germline): Uncertain significance. Review status: criteria provided, multiple submitters, no conflicts (2 of 4 stars). 2 submissions from 2 submitters: Uncertain significance (2). Last evaluated 2025-06-05.

Conditions:
Cerebral cavernous malformation (CCM). Also called: Cerebral cavernous malformations; Cerebral cavernous hemangioma (type); CAVERNOUS ANGIOMA, FAMILIAL; CAVERNOUS ANGIOMATOUS MALFORMATIONS; CEREBRAL CAPILLARY MALFORMATIONS; Cavernous Hemangioma of Brain. Identifiers: Orphanet 221061, MedGen C2919945, MONDO:0000820, OMIM 116860, HP:0033522.

Allele frequency attached by ClinVar (database versions not stated): ExAC 0.00004; TOPMed 0.00004; gnomAD exomes 0.00005; ESP Exome Variant Server 0.00008; gnomAD 0.00008.
gnomAD v4.1: 86 of 1,611,006 alleles (0.0053%); highest among the groups gnomAD compares: Admixed American, 0.04%; no homozygotes.

Submissions (2):

Women's Health and Genetics/Laboratory Corporation of America, LabCorp
Classification: Uncertain significance. Last evaluated: 2025-06-05. Review status: criteria provided, single submitter. Criteria: LabCorp Variant Classification Summary - May 2015. Collection method: clinical testing. Allele origin: germline.
Comment: Variant summary: KRIT1 c.1775G>C (p.Ser592Thr) results in a conservative amino acid change in the encoded protein sequence. Algorithms developed to predict the effect of missense changes on protein structure and function are either unavailable or do not agree on the potential impact of this missense change. The variant allele was found at a frequency of 8e-05 in 251282 control chromosomes. This frequency is not significantly higher than estimated for a pathogenic variant in KRIT1 causing KRIT1-Related Disorders, allowing no conclusion about variant significance. c.1775G>C has been observed in an individual with clinical features of cerebral cavernous malformations (Mondejar_2014). This report does not provide unequivocal conclusions about association of the variant with KRIT1-Related Disorders. To our knowledge, no experimental evidence demonstrating an impact on protein function has been reported. The following publication has been ascertained in the context of this evaluation (PMID: 24466005). ClinVar contains an entry for this variant (Variation ID: 2056450). Based on the evidence outlined above, the variant was classified as uncertain significance.

Labcorp Genetics (formerly Invitae), Labcorp
Classification: Uncertain significance for Cerebral cavernous malformation. Last evaluated: 2024-10-21. Review status: criteria provided, single submitter. Criteria: Invitae Variant Classification Sherloc (09022015). Collection method: clinical testing. Allele origin: germline.
Comment: This sequence change replaces serine, which is neutral and polar, with threonine, which is neutral and polar, at codon 592 of the KRIT1 protein (p.Ser592Thr). This variant is present in population databases (rs372952135, gnomAD 0.03%), and has an allele count higher than expected for a pathogenic variant. This missense change has been observed in individual(s) with clinical features of cerebral cavernous malformations (PMID: 24466005). ClinVar contains an entry for this variant (Variation ID: 2056450). Invitae Evidence Modeling of protein sequence and biophysical properties (such as structural, functional, and spatial information, amino acid conservation, physicochemical variation, residue mobility, and thermodynamic stability) indicates that this missense variant is not expected to disrupt KRIT1 protein function with a negative predictive value of 80%. In summary, the available evidence is currently insufficient to determine the role of this variant in disease. Therefore, it has been classified as a Variant of Uncertain Significance.

Literature cited by the submitters: PubMed 24466005 (cited by Women's Health and Genetics/Laboratory Corporation of America, LabCorp and Labcorp Genetics (formerly Invitae), Labcorp).